The following is an entry in ClinVar:

NM_001397.3(ECE1):c.*2201A>T

Gene: ECE1 (endothelin converting enzyme 1; minus strand). Cytogenetic location: 1p36.12.
Variant type: single nucleotide variant.
Coding change: c.*2201A>T on transcript NM_001397.3 (MANE Select); 2201 bases downstream of the stop codon, A replaced by T.
Molecular consequence: 3 prime UTR variant.
Genome position (GRCh38, 1-based): chr1:21,217,754, T>A on the plus strand (A>T on the coding strand, the complement: ECE1 is on the minus strand). VCF-style: chr1-21217754-T-A. GRCh37 (hg19) VCF-style: chr1-21544247-T-A.
Other names: c.*2201A>T (NM_001113347.2, NM_001113348.2, NM_001113349.2).
Identifiers: ClinVar variation 3025059 (VCV003025059.22), dbSNP rs74343247, ClinGen allele CA19471894.

ClinVar aggregate classification (germline): Benign (1 of 4 stars; one submission).

Allele frequency attached by ClinVar (database versions not stated): 1000 Genomes Project 0.00679; 1000 Genomes Project 30x 0.00687; gnomAD exomes 0.01190; gnomAD 0.01461; TOPMed 0.01595.
gnomAD v4.1: 2,279 of 152,382 alleles (1.5%); highest among the groups gnomAD compares: Non-Finnish European, 2.4%; 26 homozygotes.

Submission:

CeGaT Center for Human Genetics Tuebingen
Classification: Benign. Last evaluated: 2026-08-01. Review status: criteria provided, single submitter. Criteria: CeGaT Center For Human Genetics Tuebingen Variant Classification Criteria Version 2. Collection method: clinical testing. Allele origin: germline. Affected: yes. Observed: 6 variant alleles.
Comment: ECE1: BS1, BS2